The following is an entry in ClinVar:

ClinVar aggregate classification (germline): Likely benign (1 of 4 stars; one submission).

Submission:

CeGaT Center for Human Genetics Tuebingen
Classification: Likely benign. Last evaluated: 2026-03-01. Review status: criteria provided, single submitter. Criteria: CeGaT Center For Human Genetics Tuebingen Variant Classification Criteria Version 2. Collection method: clinical testing. Allele origin: germline. Affected: yes. Observed: 1 variant allele.
Comment: MSN: PM2:Supporting, BP4, BP7

NM_002444.3(MSN):c.564C>T (p.Val188=)

Gene: MSN (moesin; plus strand). Cytogenetic location: Xq12.
Variant type: single nucleotide variant.
Coding change: c.564C>T on transcript NM_002444.3 (MANE Select); coding-DNA position 564, C replaced by T.
Protein change: p.Val188=; no amino-acid change (valine 188 retained).
Molecular consequence: synonymous variant.
Genome position (GRCh38, 1-based): chrX:65,731,850, C>T. VCF-style: chrX-65731850-C-T. GRCh37 (hg19) VCF-style: chrX-64951712-C-T.
Other names: c.567C>T, p.Val189= (NM_001440778.1).
Identifiers: ClinVar variation 4823498 (VCV004823498.4).